The following is an entry in ClinVar:

ClinVar aggregate classification (germline): Uncertain significance (1 of 4 stars; one submission).

Conditions:
Hereditary cancer-predisposing syndrome. Also called: Tumor predisposition; Hereditary neoplastic syndrome; Neoplastic Syndromes, Hereditary; Hereditary Cancer Syndrome. Identifiers: Orphanet 140162, MedGen C0027672, MeSH D009386, MONDO:0015356.

Submission:

Ambry Genetics
Classification: Uncertain significance for Hereditary cancer-predisposing syndrome. Last evaluated: 2025-04-10. Review status: criteria provided, single submitter. Criteria: Ambry Variant Classification Scheme 2023. Collection method: clinical testing. Allele origin: germline.
Comment: The p.V818E variant (also known as c.2453T>A), located in coding exon 15 of the DICER1 gene, results from a T to A substitution at nucleotide position 2453. The valine at codon 818 is replaced by glutamic acid, an amino acid with dissimilar properties. This amino acid position is conserved. In addition, this alteration is predicted to be deleterious by in silico analysis. Based on the available evidence, the clinical significance of this variant remains unclear.

NM_177438.3(DICER1):c.2453T>A (p.Val818Glu)

Gene: DICER1 (dicer 1, ribonuclease III; minus strand). Cytogenetic location: 14q32.13.
Variant type: single nucleotide variant.
Coding change: c.2453T>A on transcript NM_177438.3 (MANE Select); coding-DNA position 2453, T replaced by A.
Protein change: p.Val818Glu; replaces valine 818 with glutamic acid.
Molecular consequence: missense variant. On other transcripts: non-coding transcript variant (6).
Genome position (GRCh38, 1-based): chr14:95,108,077, A>T on the plus strand (T>A on the coding strand, the complement: DICER1 is on the minus strand). VCF-style: chr14-95108077-A-T. GRCh37 (hg19) VCF-style: chr14-95574414-A-T.
Other names: c.2453T>A, p.Val818Glu (NM_001195573.1, NM_001291628.2, NM_001271282.3 and 12 more transcripts); c.2171T>A, p.Val724Glu (NM_001395686.1); c.2048T>A, p.Val683Glu (NM_001395687.1, NM_001395688.1, NM_001395689.1 and 2 more transcripts); c.1886T>A, p.Val629Glu (NM_001395691.1); c.770T>A, p.Val257Glu (NM_001395697.1); short protein forms V724E, V629E, V257E, V683E, V818E.
Identifiers: ClinVar variation 4011626 (VCV004011626.1).